The following is an entry in ClinVar:

ClinVar aggregate classification (germline): Benign/Likely benign. Review status: criteria provided, multiple submitters, no conflicts (2 of 4 stars). 4 submissions from 4 submitters: Benign (3); Likely benign (1). Last evaluated 2026-09-01.

Allele frequency attached by ClinVar (database versions not stated): gnomAD exomes 0.00059; 1000 Genomes Project 30x 0.00281; 1000 Genomes Project 0.00319; gnomAD 0.00335; TOPMed 0.00420; ESP Exome Variant Server 0.00430.
gnomAD v4.1: 1,483 of 1,574,728 alleles (0.094%); highest among the groups gnomAD compares: African/African-American, 1.3%; 9 homozygotes.

Submissions (4):

CeGaT Center for Human Genetics Tuebingen
Classification: Likely benign. Last evaluated: 2026-09-01. Review status: criteria provided, single submitter. Criteria: CeGaT Center For Human Genetics Tuebingen Variant Classification Criteria Version 2. Collection method: clinical testing. Allele origin: germline. Affected: yes. Observed: 2 variant alleles.
Comment: RIN2: BS1

Labcorp Genetics (formerly Invitae), Labcorp
Classification: Benign. Last evaluated: 2026-02-03. Review status: criteria provided, single submitter. Criteria: Invitae Variant Classification Sherloc (09022015). Collection method: clinical testing. Allele origin: germline.

GeneDx
Classification: Benign. Last evaluated: 2019-10-31. Review status: criteria provided, single submitter. Criteria: GeneDx Variant Classification Process June 2021. Collection method: clinical testing. Allele origin: germline. Affected: yes.

Breakthrough Genomics
Classification: Benign. Review status: criteria provided, single submitter. Criteria: ACMG Guidelines, 2015. Collection method: not provided. Allele origin: germline. Inheritance: Autosomal recessive inheritance. Affected: yes.

NM_018993.4(RIN2):c.347C>T (p.Pro116Leu)

Gene: RIN2 (Ras and Rab interactor 2; plus strand). Cytogenetic location: 20p11.23.
Variant type: single nucleotide variant.
Coding change: c.347C>T on transcript NM_018993.4 (MANE Select); coding-DNA position 347, C replaced by T.
Protein change: p.Pro116Leu; replaces proline 116 with leucine.
Molecular consequence: missense variant. On other transcripts: 5 prime UTR variant (1).
Genome position (GRCh38, 1-based): chr20:19,956,803, C>T. VCF-style: chr20-19956803-C-T. GRCh37 (hg19) VCF-style: chr20-19937447-C-T.
Other names: c.494C>T, p.Pro165Leu (NM_001242581.2); c.-199C>T (NM_001378238.1); short protein forms P116L, P165L.
Identifiers: ClinVar variation 506800 (VCV000506800.15), dbSNP rs147968123, ClinGen allele CA9779789.